The following is an entry in ClinVar:

NM_001303256.3(MORC2):c.2038A>G (p.Thr680Ala)

Gene: MORC2 (MORC family CW-type zinc finger 2; minus strand). Cytogenetic location: 22q12.2.
Variant type: single nucleotide variant.
Coding change: c.2038A>G on transcript NM_001303256.3 (MANE Select); coding-DNA position 2038, A replaced by G.
Protein change: p.Thr680Ala; replaces threonine 680 with alanine.
Molecular consequence: missense variant.
Genome position (GRCh38, 1-based): chr22:30,934,936, T>C on the plus strand (A>G on the coding strand, the complement: MORC2 is on the minus strand). VCF-style: chr22-30934936-T-C. GRCh37 (hg19) VCF-style: chr22-31330923-T-C.
Other names: c.2038A>G, p.Thr680Ala (NM_001303257.2); c.1852A>G, p.Thr618Ala (NM_014941.3); short protein forms T680A, T618A.
Identifiers: ClinVar variation 966636 (VCV000966636.5), dbSNP rs2040630159, ClinGen allele CA411234725.

ClinVar aggregate classification (germline): Uncertain significance. Review status: criteria provided, multiple submitters, no conflicts (2 of 4 stars). 2 submissions from 2 submitters: Uncertain significance (2). Last evaluated 2023-11-27.

Conditions:
Charcot-Marie-Tooth disease axonal type 2Z. Also called: CHARCOT-MARIE-TOOTH DISEASE, AXONAL, AUTOSOMAL DOMINANT, TYPE 2Z; CHARCOT-MARIE-TOOTH NEUROPATHY, TYPE 2Z. Identifiers: Orphanet 466768, MedGen C5569025, MONDO:0014736, OMIM 616688.

Submissions (2):

3billion
Classification: Uncertain significance for Charcot-Marie-Tooth disease axonal type 2Z. Last evaluated: 2023-11-27. Review status: criteria provided, single submitter. Criteria: ACMG Guidelines, 2015. Collection method: clinical testing. Allele origin: germline. Affected: yes.
Comment: The variant is not observed in the gnomAD v2.1.1 dataset. Predicted Consequence/Location: Missense changes are a common disease-causing mechanism. In silico tool predictions suggest no damaging effect of the variant on gene or gene product [REVEL: 0.03 (<0.4); 3Cnet: 0.00 (<0.15, specificity 0.78 and negative predicitive value 0.92)]. Therefore, this variant is classified as VUS according to the recommendation of ACMG/AMP guideline.

Labcorp Genetics (formerly Invitae), Labcorp
Classification: Uncertain significance for Charcot-Marie-Tooth disease axonal type 2Z. Last evaluated: 2021-09-01. Review status: criteria provided, single submitter. Criteria: Invitae Variant Classification Sherloc (09022015). Collection method: clinical testing. Allele origin: germline.